The following is an entry in ClinVar:

NM_001018113.3(FANCB):c.834G>C (p.Gln278His)

Gene: FANCB (FA complementation group B; minus strand). Cytogenetic location: Xp22.2.
Variant type: single nucleotide variant.
Coding change: c.834G>C on transcript NM_001018113.3 (MANE Select); coding-DNA position 834, G replaced by C.
Protein change: p.Gln278His; replaces glutamine 278 with histidine.
Molecular consequence: missense variant.
Genome position (GRCh38, 1-based): chrX:14,864,677, C>G on the plus strand (G>C on the coding strand, the complement: FANCB is on the minus strand). VCF-style: chrX-14864677-C-G. GRCh37 (hg19) VCF-style: chrX-14882799-C-G.
Other names: c.834G>C, p.Gln278His (NM_001324162.2, NM_152633.4); short protein forms Q278H.
Identifiers: ClinVar variation 1426208 (VCV001426208.3), dbSNP rs1569092087, ClinGen allele CA412443604.
Genomic context (GRCh38, chrX:14,864,677, plus strand): 5'-AAAGAGGTTTCCTCCACCTGAATCCATAAGTTGAACTGCACAAGGATCTCCAAATGGAAG[C>G]TGGCACACATTTTTAGGAGTTCCATTCTGAAATGAAATCAGCTGATTCTTTCGAGTAAGG-3'
Protein context (NP_001018123.1, residues 268-288): FQNGTPKNVC[Gln278His]LPFGDPCAVQ

ClinVar aggregate classification (germline): Uncertain significance (1 of 4 stars; one submission).

Conditions:
Fanconi anemia (FA). Also called: Fanconi's anemia. Identifiers: Orphanet 84, MedGen C0015625, MeSH D005199, MONDO:0019391.

Submission:

Labcorp Genetics (formerly Invitae), Labcorp
Classification: Uncertain significance for Fanconi anemia. Last evaluated: 2021-11-15. Review status: criteria provided, single submitter. Criteria: Invitae Variant Classification Sherloc (09022015). Collection method: clinical testing. Allele origin: germline.
Comment: This sequence change replaces glutamine, which is neutral and polar, with histidine, which is basic and polar, at codon 278 of the FANCB protein (p.Gln278His). This variant is not present in population databases (gnomAD no frequency). This variant has not been reported in the literature in individuals affected with FANCB-related conditions. Algorithms developed to predict the effect of missense changes on protein structure and function are either unavailable or do not agree on the potential impact of this missense change (SIFT: "Deleterious"; PolyPhen-2: "Possibly Damaging"; Align-GVGD: "Class C0"). In summary, the available evidence is currently insufficient to determine the role of this variant in disease. Therefore, it has been classified as a Variant of Uncertain Significance.